The following is an entry in ClinVar:

NM_000089.4(COL1A2):c.2206G>T (p.Gly736Cys)

Gene: COL1A2 (collagen type I alpha 2 chain; plus strand). Cytogenetic location: 7q21.3.
Variant type: single nucleotide variant.
Coding change: c.2206G>T on transcript NM_000089.4 (MANE Select); coding-DNA position 2206, G replaced by T.
Protein change: p.Gly736Cys; replaces glycine 736 with cysteine.
Molecular consequence: missense variant.
Genome position (GRCh38, 1-based): chr7:94,420,559, G>T. VCF-style: chr7-94420559-G-T. GRCh37 (hg19) VCF-style: chr7-94049871-G-T.
Other names: short protein forms G736C.
Identifiers: ClinVar variation 1223742 (VCV001223742.13), dbSNP rs72658173, ClinGen allele CA162935974.

ClinVar aggregate classification (germline): Pathogenic. Review status: criteria provided, multiple submitters, no conflicts (2 of 4 stars). 6 submissions from 6 submitters: Pathogenic (6). Last evaluated 2026-02-01.

Conditions:
Osteogenesis imperfecta (OI). Identifiers: Orphanet 666, MedGen C0029434, MeSH D010013, MONDO:0019019.
COL1A2-related disorder. Also called: COL1A2-related condition; COL1A2-Related Disorders.
Osteogenesis imperfecta with normal sclerae, dominant form (OI4). Also called: Osteogenesis Imperfecta Type IV; OSTEOGENESIS IMPERFECTA, TYPE IV, WITH DENTINOGENESIS IMPERFECTA; Common Variable Osteogenesis Imperfecta with Normal Sclerae; OSTEOGENESIS IMPERFECTA WITH NORMAL SCLERAE; Osteogenesis imperfecta type 4. Identifiers: Orphanet 216820, Orphanet 666, MedGen C0268363, MONDO:0008148, OMIM 166220.
Ehlers-Danlos syndrome, classic type, 1 (EDSCL1). Also called: EDS I; Ehlers-Danlos syndrome, type 1; Ehlers-Danlos Syndrome, Classic Type, COL5A1-Related; EHLERS-DANLOS SYNDROME, GRAVIS TYPE; EHLERS-DANLOS SYNDROME, SEVERE CLASSIC TYPE. Identifiers: MedGen C0268335, MONDO:0019567, OMIM 130000.
Osteogenesis imperfecta type I (OI1). Also called: Lobstein's Disease; Lobstein disease; Classic Non-deforming Osteogenesis Imperfecta with Blue Sclerae; OI, TYPE I; OSTEOGENESIS IMPERFECTA TARDA; OSTEOGENESIS IMPERFECTA WITH BLUE SCLERAE. Identifiers: Orphanet 216796, Orphanet 666, MedGen C0023931, MONDO:0008146, OMIM 166200. Disease mechanism: loss of function.

Submissions (6):

Labcorp Genetics (formerly Invitae), Labcorp
Classification: Pathogenic for Osteogenesis imperfecta type I; Ehlers-Danlos syndrome, classic type, 1. Last evaluated: 2026-02-01. Review status: criteria provided, single submitter. Criteria: Invitae Variant Classification Sherloc (09022015). Collection method: clinical testing. Allele origin: germline.
Comment: This sequence change replaces glycine, which is neutral and non-polar, with cysteine, which is neutral and slightly polar, at codon 736 of the COL1A2 protein (p.Gly736Cys). This variant is not present in population databases (gnomAD no frequency). This missense change has been observed in individuals with clinical features of osteogenesis imperfecta (PMID: 1990009; internal data). This variant is also known as p.Gly646Cys. ClinVar contains an entry for this variant (Variation ID: 1223742). Invitae Evidence Modeling of protein sequence and biophysical properties (such as structural, functional, and spatial information, amino acid conservation, physicochemical variation, residue mobility, and thermodynamic stability) indicates that this missense variant is expected to disrupt COL1A2 protein function with a positive predictive value of 95%. This variant disrupts the triple helix domain of COL1A2. Glycine residues within the Gly-Xaa-Yaa repeats of the triple helix domain are required for the structure and stability of fibrillar collagens (PMID: 7695699, 8218237, 19344236). In COL1A2, variants affecting these glycine residues are significantly enriched in individuals with disease (PMID: 9016532, 17078022) compared to the general population (ExAC). For these reasons, this variant has been classified as Pathogenic.

PreventionGenetics, part of Exact Sciences
Classification: Pathogenic for COL1A2-related condition. Last evaluated: 2025-09-08. Review status: criteria provided, single submitter. Criteria: ACMG Guidelines, 2015. Collection method: clinical testing. Allele origin: germline.
Comment: The COL1A2 c.2206G>T variant is predicted to result in the amino acid substitution p.Gly736Cys. Using legacy nomenclature, this variant is also referred to as p.Gly646Cys. This variant has been reported in the heterozygous state in two unrelated individual with mild osteogenesis imperfecta I (Wenstrup et al. 1991. PubMed ID: 1990009) and has been reported in a large cohort study of individuals with skeletal dysplasia and other skeletal disorders (Table S5, MacCarrick et al. 2024. PubMed ID: 38702915). The p.Gly736Cys residue is located in the conserved Gly-Xaa-Yaa triple helical domain where substitutions of a glycine are usually pathogenic (Marini et al. 2007. PubMed ID: 17078022). This variant has not been reported in a large population database (gnomAD), indicating this variant is rare. This variant is interpreted as pathogenic.

Clinical Biomedical Laboratory, Shriners Hospital For Children - Canada
Classification: Pathogenic for Osteogenesis imperfecta with normal sclerae, dominant form. Last evaluated: 2025-07-16. Review status: criteria provided, single submitter. Criteria: ACMG Guidelines, 2015. Collection method: clinical testing. Allele origin: germline. Affected: yes.
Comment: This variant is predicted to substitute a glycine residue by a cysteine residue in the triple helical domain of the collagen type I alpha 2 chain. This variant is absent from the Genome Aggregation Database (v2.1.1). Computational tools (REVEL: 0.994) suggest that the amino acid change is damaging to protein function. The affected nucleotide is conserved in evolution (PhyloP100 9.88). Glycine substitutions in the triple helical domain of the collagen type I alpha 2 chain cause disruption in the formation of the triple helix in the collagen type I molecule and are a typical cause of osteogenesis imperfecta (PMID 27509835). The variant has been reported as a cause of osteogenesis imperfecta in the literature (PMID 17078022).

Women's Health and Genetics/Laboratory Corporation of America, LabCorp
Classification: Pathogenic for Osteogenesis imperfecta. Last evaluated: 2022-03-16. Review status: criteria provided, single submitter. Criteria: LabCorp Variant Classification Summary - May 2015. Collection method: clinical testing. Allele origin: germline.
Comment: Variant summary: COL1A2 c.2206G>T (p.Gly736Cys) results in a non-conservative amino acid change in the encoded protein sequence. The variant is also known as p.Gly646Cys in the literature and database. Five of five in-silico tools predict a damaging effect of the variant on protein function. In addition, p.Gly736Cys is located in repeating Gly-X-Y sequence characterizing the triple helical region of type I collagen, suggesting this residue is critical for protein function (PMID: 18412368). The variant was absent in 251096 control chromosomes (gnomAD). c.2206G>T has been reported in the literature in individuals affected Osteogenesis Imperfecta (example: Wenstrup_1991, Marini_2007). These data indicate that the variant may be associated with disease. To our knowledge, no experimental evidence demonstrating an impact on protein function has been reported. One clinical diagnostic laboratory has submitted clinical-significance assessments for this variant to ClinVar after 2014 and classified the variant as pathogenic. Based on the evidence outlined above, the variant was classified as pathogenic.

GeneDx
Classification: Pathogenic. Last evaluated: 2021-05-12. Review status: criteria provided, single submitter. Criteria: GeneDx Variant Classification Process June 2021. Collection method: clinical testing. Allele origin: germline. Affected: yes.
Comment: Not observed in large population cohorts (Lek et al., 2016); In silico analysis, which includes protein predictors and evolutionary conservation, supports a deleterious effect; Located in a region intolerant to change; G736C occurs in the triple helical domain and replaces a Glycine in the canonical Gly-X-Y repeat. Variants in these Glycines result in poor winding of the collagen triple helix and a less functional protein; This variant is associated with the following publications: (PMID: 1990009)

Blueprint Genetics
Classification: Pathogenic for COL1A2-related disorders. Last evaluated: 2020-02-03. Review status: criteria provided, single submitter. Criteria: ACMG Guidelines, 2015. Collection method: clinical testing. Allele origin: germline. Affected: yes. Observed: 2 variant alleles.

Literature cited by the submitters: PubMed 1990009 (cited by Labcorp Genetics (formerly Invitae), Labcorp and Women's Health and Genetics/Laboratory Corporation of America, LabCorp); PubMed 7695699 (cited by Labcorp Genetics (formerly Invitae), Labcorp); PubMed 8218237 (cited by Labcorp Genetics (formerly Invitae), Labcorp); PubMed 19344236 (cited by Labcorp Genetics (formerly Invitae), Labcorp); PubMed 9016532 (cited by Labcorp Genetics (formerly Invitae), Labcorp); PubMed 17078022 (cited by 3 submitters); PubMed 27509835 (cited by Clinical Biomedical Laboratory, Shriners Hospital For Children - Canada).